The following is an entry in ClinVar:

ClinVar aggregate classification (germline): Uncertain significance (1 of 4 stars; one submission).

Submission:

Labcorp Genetics (formerly Invitae), Labcorp
Classification: Uncertain significance. Last evaluated: 2026-01-12. Review status: criteria provided, single submitter. Criteria: Invitae Variant Classification Sherloc (09022015). Collection method: clinical testing. Allele origin: germline.
Comment: This sequence change creates a premature translational stop signal (p.Tyr467*) in the SPPL2A gene. It is expected to result in an absent or disrupted protein product. However, the current clinical and genetic evidence is not sufficient to establish whether loss-of-function variants in SPPL2A cause disease. This variant is not present in population databases (gnomAD no frequency). This variant has not been reported in the literature in individuals affected with SPPL2A-related conditions. ClinVar contains an entry for this variant (Variation ID: 3623292). In summary, the available evidence is currently insufficient to determine the role of this variant in disease. Therefore, it has been classified as a Variant of Uncertain Significance.

NM_032802.4(SPPL2A):c.1401_1404del (p.Leu466_Tyr467insTer)

Gene: SPPL2A (signal peptide peptidase like 2A; minus strand). Cytogenetic location: 15q21.2.
Variant type: Deletion.
Coding change: c.1401_1404del on transcript NM_032802.4 (MANE Select); coding-DNA positions 1401 to 1404, 4 bases deleted (TTTA; older notation c.1401_1404delTTTA).
Protein change: p.Leu466_Tyr467insTer.
Molecular consequence: nonsense.
Genome position (GRCh38, 1-based): chr15:50,720,024-50,720,027, TAAA deleted on the plus strand (TTTA on the coding strand, the reverse complement: SPPL2A is on the minus strand); deleting any 4 consecutive bases within chr15:50,720,024-50,720,029 gives the same sequence; the c. name uses the placement nearest the transcript's 3' end. VCF-style (leftmost placement, unchanged base first): chr15-50720023-CTAAA-C. GRCh37 (hg19) VCF-style: chr15-51012220-CTAAA-C.
Identifiers: ClinVar variation 3623292 (VCV003623292.2).